The following is an entry in ClinVar:

NM_001366385.1(CARD14):c.722C>T (p.Ser241Phe)

Gene: CARD14 (caspase recruitment domain family member 14; plus strand). Cytogenetic location: 17q25.3.
Variant type: single nucleotide variant.
Coding change: c.722C>T on transcript NM_001366385.1 (MANE Select); coding-DNA position 722, C replaced by T.
Protein change: p.Ser241Phe; replaces serine 241 with phenylalanine.
Molecular consequence: missense variant. On other transcripts: non-coding transcript variant (1).
Genome position (GRCh38, 1-based): chr17:80,188,423, C>T. VCF-style: chr17-80188423-C-T. GRCh37 (hg19) VCF-style: chr17-78162222-C-T.
Other names: c.722C>T, p.Ser241Phe (NM_001257970.1, NM_024110.4); c.11C>T, p.Ser4Phe (NM_052819.3); short protein forms S241F, S4F.
Identifiers: ClinVar variation 4538749 (VCV004538749.2).

ClinVar aggregate classification (germline): Uncertain significance (1 of 4 stars; one submission).

gnomAD v4.1: 2 of 1,610,884 alleles (0.00012%); highest among the groups gnomAD compares: African/African-American, 0.0013%; no homozygotes.

Submission:

GeneDx
Classification: Uncertain significance. Last evaluated: 2026-04-02. Review status: criteria provided, single submitter. Criteria: GeneDx Variant Classification Process June 2021. Collection method: clinical testing. Allele origin: germline.
Comment: Not observed at significant frequency in large population cohorts (gnomAD); In silico analysis supports that this missense variant has a deleterious effect on protein structure/function; Has not been previously published as pathogenic or benign to our knowledge